The following is an entry in ClinVar:

ClinVar aggregate classification (germline): Conflicting classifications of pathogenicity. Review status: criteria provided, conflicting classifications (1 of 4 stars). 2 submissions from 2 submitters: Uncertain significance (1); Likely benign (1). Last evaluated 2025-01-29.

Allele frequency attached by ClinVar (database versions not stated): gnomAD exomes 0.00001 and 0.00002; gnomAD 0.00001; ExAC 0.00001; TOPMed 0.00002.
gnomAD v4.1: 9 of 1,613,852 alleles (0.00056%); highest among the groups gnomAD compares: Admixed American, 0.013%; no homozygotes.

Submissions (2):

Labcorp Genetics (formerly Invitae), Labcorp
Classification: Uncertain significance. Last evaluated: 2025-01-29. Review status: criteria provided, single submitter. Criteria: Invitae Variant Classification Sherloc (09022015). Collection method: clinical testing. Allele origin: germline.
Comment: This sequence change replaces glutamic acid, which is acidic and polar, with aspartic acid, which is acidic and polar, at codon 115 of the AUTS2 protein (p.Glu115Asp). The frequency data for this variant in the population databases is considered unreliable, as metrics indicate poor data quality at this position in the gnomAD database. This variant has not been reported in the literature in individuals affected with AUTS2-related conditions. ClinVar contains an entry for this variant (Variation ID: 1188595). An algorithm developed to predict the effect of missense changes on protein structure and function (PolyPhen-2) suggests that this variant is likely to be disruptive. In summary, the available evidence is currently insufficient to determine the role of this variant in disease. Therefore, it has been classified as a Variant of Uncertain Significance.

GeneDx
Classification: Likely benign. Last evaluated: 2021-04-27. Review status: criteria provided, single submitter. Criteria: GeneDx Variant Classification Process June 2021. Collection method: clinical testing. Allele origin: germline. Affected: yes.

NM_015570.4(AUTS2):c.345G>T (p.Glu115Asp)

Gene: AUTS2 (activator of transcription and developmental regulator AUTS2; plus strand). Cytogenetic location: 7q11.22.
Variant type: single nucleotide variant.
Coding change: c.345G>T on transcript NM_015570.4 (MANE Select); coding-DNA position 345, G replaced by T.
Protein change: p.Glu115Asp; replaces glutamic acid 115 with aspartic acid.
Molecular consequence: missense variant.
Genome position (GRCh38, 1-based): chr7:69,899,321, G>T. VCF-style: chr7-69899321-G-T. GRCh37 (hg19) VCF-style: chr7-69364307-G-T.
Other names: c.345G>T, p.Glu115Asp (NM_001127231.3, NM_001127232.3); short protein forms E115D.
Identifiers: ClinVar variation 1188595 (VCV001188595.4), dbSNP rs749437705, ClinGen allele CA4280284.